The following is an entry in ClinVar:

ClinVar aggregate classification (germline): Pathogenic (1 of 4 stars; one submission).

Conditions:
Osteogenesis imperfecta type I (OI1). Also called: Lobstein disease; OI, TYPE I; OSTEOGENESIS IMPERFECTA TARDA; OSTEOGENESIS IMPERFECTA WITH BLUE SCLERAE; Osteogenesis imperfecta type 1; Classic Non-deforming Osteogenesis Imperfecta with Blue Sclerae. Identifiers: Orphanet 216796, Orphanet 666, MedGen C0023931, MONDO:0008146, OMIM 166200. Disease mechanism: loss of function.

Submission:

Labcorp Genetics (formerly Invitae), Labcorp
Classification: Pathogenic for Osteogenesis imperfecta type I. Last evaluated: 2022-09-12. Review status: criteria provided, single submitter. Criteria: Invitae Variant Classification Sherloc (09022015). Collection method: clinical testing. Allele origin: germline.
Comment: For these reasons, this variant has been classified as Pathogenic. This variant has not been reported in the literature in individuals affected with COL1A1-related conditions. This variant is not present in population databases (gnomAD no frequency). This sequence change creates a premature translational stop signal (p.Pro241Leufs*24) in the COL1A1 gene. It is expected to result in an absent or disrupted protein product. Loss-of-function variants in COL1A1 are known to be pathogenic (PMID: 7942841, 9295084, 9443882).

Literature cited by the submitters: PubMed 7942841; PubMed 9295084; PubMed 9443882.

NM_000088.4(COL1A1):c.722del (p.Pro241fs)

Genes: COL1A1 (collagen type I alpha 1 chain; minus strand), LOC126862586 (CDK7 strongly-dependent group 2 enhancer GRCh37_chr17:48273702-48274901; plus strand). Cytogenetic location: 17q21.33.
Variant type: Deletion.
Coding change: c.722del on transcript NM_000088.4 (MANE Select); coding-DNA position 722, one base deleted (C; older notation c.722delC).
Protein change: p.Pro241fs; shifts the reading frame from proline 241.
Molecular consequence: frameshift variant.
Genome position (GRCh38, 1-based): chr17:50,197,208, G deleted on the plus strand (C on the coding strand, the reverse complement: COL1A1 is on the minus strand); the first of 2 consecutive G bases (chr17:50,197,208-50,197,209); deleting either gives the same sequence. VCF-style (leftmost placement, unchanged base first): chr17-50197207-AG-A. GRCh37 (hg19) VCF-style: chr17-48274568-AG-A.
Other names: short protein forms P241fs.
Identifiers: ClinVar variation 2116177 (VCV002116177.4), dbSNP rs2509242096, ClinGen allele CA2580094344.